The following is an entry in ClinVar:

NM_004204.5(PIGQ):c.1166C>T (p.Ser389Leu)

Gene: PIGQ (phosphatidylinositol glycan anchor biosynthesis class Q; plus strand). Cytogenetic location: 16p13.3.
Variant type: single nucleotide variant.
Coding change: c.1166C>T on transcript NM_004204.5 (MANE Select); coding-DNA position 1166, C replaced by T.
Protein change: p.Ser389Leu; replaces serine 389 with leucine.
Molecular consequence: missense variant.
Genome position (GRCh38, 1-based): chr16:578,881, C>T. VCF-style: chr16-578881-C-T. GRCh37 (hg19) VCF-style: chr16-628881-C-T.
Other names: c.1166C>T (NM_148920.1); c.1166C>T, p.Ser389Leu (NM_148920.4); short protein forms S389L.
Identifiers: ClinVar variation 947225 (VCV000947225.9), dbSNP rs1396938371, ClinGen allele CA394057129.

ClinVar aggregate classification (germline): Uncertain significance. Review status: criteria provided, multiple submitters, no conflicts (2 of 4 stars). 3 submissions from 3 submitters: Uncertain significance (3). Last evaluated 2025-03-10.

Conditions:
Inborn genetic diseases. Identifiers: MedGen C0950123, MeSH D030342.
Epilepsy. Also called: Seizure disorder. Identifiers: MedGen C0014544, MeSH D004827, MONDO:0005027.

Allele frequency attached by ClinVar (database versions not stated): gnomAD exomes 0.00001 and 0.00002; TOPMed 0.00001.

Submissions (3):

Labcorp Genetics (formerly Invitae), Labcorp
Classification: Uncertain significance for Epilepsy. Last evaluated: 2025-03-10. Review status: criteria provided, single submitter. Criteria: Invitae Variant Classification Sherloc (09022015). Collection method: clinical testing. Allele origin: germline.
Comment: This sequence change replaces serine, which is neutral and polar, with leucine, which is neutral and non-polar, at codon 389 of the PIGQ protein (p.Ser389Leu). This variant is present in population databases (no rsID available, gnomAD 0.01%). This variant has not been reported in the literature in individuals affected with PIGQ-related conditions. ClinVar contains an entry for this variant (Variation ID: 947225). An algorithm developed to predict the effect of missense changes on protein structure and function (PolyPhen-2) suggests that this variant is likely to be disruptive. In summary, the available evidence is currently insufficient to determine the role of this variant in disease. Therefore, it has been classified as a Variant of Uncertain Significance.

Ambry Genetics
Classification: Uncertain significance for Inborn genetic diseases. Last evaluated: 2025-01-10. Review status: criteria provided, single submitter. Criteria: Ambry Variant Classification Scheme 2023. Collection method: clinical testing. Allele origin: germline.

Breakthrough Genomics
Classification: Uncertain significance. Review status: criteria provided, single submitter. Criteria: ACMG Guidelines, 2015. Collection method: not provided. Allele origin: germline. Inheritance: Autosomal recessive inheritance. Affected: yes.